The following is an entry in ClinVar:

ClinVar aggregate classification (germline): Likely benign (0 of 4 stars; one submission).

Conditions:
BBS10-related disorder. Also called: BBS10-related condition.

Submission:

PreventionGenetics, part of Exact Sciences
Classification: Likely benign for BBS10-related condition. Last evaluated: 2021-10-19. Review status: no assertion criteria provided. Collection method: clinical testing. Allele origin: germline.
Comment: This variant is classified as likely benign based on ACMG/AMP sequence variant interpretation guidelines (Richards et al. 2015 PMID: 25741868, with internal and published modifications).

NM_024685.4(BBS10):c.627T>C (p.Gly209=)

Gene: BBS10 (Bardet-Biedl syndrome 10; minus strand). Cytogenetic location: 12q21.2.
Variant type: single nucleotide variant.
Coding change: c.627T>C on transcript NM_024685.4 (MANE Select); coding-DNA position 627, T replaced by C.
Protein change: p.Gly209=; no amino-acid change (glycine 209 retained).
Molecular consequence: synonymous variant.
Genome position (GRCh38, 1-based): chr12:76,347,358, A>G on the plus strand (T>C on the coding strand, the complement: BBS10 is on the minus strand). VCF-style: chr12-76347358-A-G. GRCh37 (hg19) VCF-style: chr12-76741138-A-G.
Identifiers: ClinVar variation 3354901 (VCV003354901.1).
Genomic context (GRCh38, chr12:76,347,358, plus strand): 5'-AGGAAGGCCAGTGACACCAACATTCAACTCTACAAAATGGTCATCCACTAACTCAAATAC[A>G]CCAATCCCACTTTTACAAGTCATACACTTGAAAAAGTAGTCACACATCAACTGTGAAATA-3'
Protein context (NP_078961.3, residues 199-219): FKCMTCKSGI[Gly209=]VFELVDDHFV